The following is an entry in ClinVar:

NM_052947.4(ALPK2):c.3142G>T (p.Val1048Phe)

Gene: ALPK2 (alpha kinase 2; minus strand). Cytogenetic location: 18q21.31.
Variant type: single nucleotide variant.
Coding change: c.3142G>T on transcript NM_052947.4 (MANE Select); coding-DNA position 3142, G replaced by T.
Protein change: p.Val1048Phe; replaces valine 1048 with phenylalanine.
Molecular consequence: missense variant.
Genome position (GRCh38, 1-based): chr18:58,537,045, C>A on the plus strand (G>T on the coding strand, the complement: ALPK2 is on the minus strand). VCF-style: chr18-58537045-C-A. GRCh37 (hg19) VCF-style: chr18-56204277-C-A.
Other names: short protein forms V1048F.
Identifiers: ClinVar variation 1728108 (VCV001728108.2), dbSNP rs1346421560, ClinGen allele CA402569016.
Genomic context (GRCh38, chr18:58,537,045, plus strand): 5'-ATTTGATGGTAGCACCACTTAAAATATGATCCAACTGCACTTGGGAAGGAAATTGGGAAA[C>A]CTTTTCATGGGATGCACGAGGGAACCTCTCCTCAGTGCCACCTGCATGCTTGTCCTCAGG-3'
Protein context (NP_443179.3, residues 1038-1058): ERFPRASHEK[Val1048Phe]SQFPSQVQLD

ClinVar aggregate classification (germline): Uncertain significance (1 of 4 stars; one submission).

gnomAD v4.1: 5 of 1,613,886 alleles (0.00031%); highest among the groups gnomAD compares: Non-Finnish European, 0.00042%; no homozygotes.

Submission:

Ambry Genetics
Classification: Uncertain significance. Last evaluated: 2024-02-01. Review status: criteria provided, single submitter. Criteria: Ambry Variant Classification Scheme 2023. Collection method: clinical testing. Allele origin: germline.
Comment: The p.V1048F variant (also known as c.3142G>T), located in coding exon 4 of the ALPK2 gene, results from a G to T substitution at nucleotide position 3142. The valine at codon 1048 is replaced by phenylalanine, an amino acid with highly similar properties. This amino acid position is conserved. In addition, this alteration is predicted to be tolerated by in silico analysis. Since supporting evidence is limited at this time, the clinical significance of this alteration remains unclear.